The following is an entry in ClinVar:

ClinVar aggregate classification (germline): Uncertain significance. Review status: criteria provided, multiple submitters, no conflicts (2 of 4 stars). 2 submissions from 2 submitters: Uncertain significance (2). Last evaluated 2025-09-01.

Conditions:
Malignant hyperthermia, susceptibility to, 1 (MHS1). Also called: Anesthesia related hyperthermia; Malignant hyperpyrexia; Fulminating hyperpyrexia; Pharmacogenic myopathy; Malignant hyperthermia suceptibility 1; RYR1-Related Malignant Hyperthermia Susceptibility. Identifiers: Orphanet 423, MedGen C2930980, MONDO:0007783, OMIM 145600.

Allele frequency attached by ClinVar (database versions not stated): gnomAD exomes below 0.00001.
gnomAD v4.1: 3 of 1,613,694 alleles (0.00019%); highest among the groups gnomAD compares: Non-Finnish European, 0.00025%; no homozygotes.

Submissions (2):

Color Diagnostics, LLC DBA Color Health
Classification: Uncertain significance for Malignant hyperthermia, susceptibility to, 1. Last evaluated: 2025-09-01. Review status: criteria provided, single submitter. Criteria: ACMG Guidelines, 2015. Collection method: clinical testing. Allele origin: germline.
Comment: This missense variant replaces glutamic acid with glycine at codon 262 of the RYR1 protein. Computational prediction suggests that this variant may have deleterious impact on protein structure and function. To our knowledge, functional studies have not been reported for this variant. This variant has not been reported in individuals affected with RYR1-related disorders in the literature. This variant has not been identified in the general population by the Genome Aggregation Database (gnomAD). The available evidence is insufficient to determine the role of this variant in disease conclusively. Therefore, this variant is classified as a Variant of Uncertain Significance.

Revvity Omics, Revvity
Classification: Uncertain significance. Last evaluated: 2022-03-15. Review status: criteria provided, single submitter. Criteria: ACMG Guidelines, 2015. Collection method: clinical testing. Allele origin: germline.

NM_000540.3(RYR1):c.785A>G (p.Glu262Gly)

Gene: RYR1 (ryanodine receptor 1; plus strand). Cytogenetic location: 19q13.2.
Variant type: single nucleotide variant.
Coding change: c.785A>G on transcript NM_000540.3 (MANE Select); coding-DNA position 785, A replaced by G.
Protein change: p.Glu262Gly; replaces glutamic acid 262 with glycine.
Molecular consequence: missense variant.
Genome position (GRCh38, 1-based): chr19:38,446,753, A>G. VCF-style: chr19-38446753-A-G. GRCh37 (hg19) VCF-style: chr19-38937393-A-G.
Other names: c.785A>G, p.Glu262Gly (NM_001042723.2); short protein forms E262G.
Identifiers: ClinVar variation 2435573 (VCV002435573.4), dbSNP rs2513988080, ClinGen allele CA405680458.